The following is an entry in ClinVar:

ClinVar aggregate classification (germline): Pathogenic (1 of 4 stars; one submission).

Conditions:
Hypertrophic cardiomyopathy. Also called: HYPERTROPHIC MYOCARDIOPATHY. Identifiers: Orphanet 217569, MedGen C0007194, MeSH D002312, MONDO:0005045, HP:0001639.

Submission:

Laboratory for Molecular Medicine, Mass General Brigham Personalized Medicine
Classification: Pathogenic for Hypertrophic cardiomyopathy. Last evaluated: 2013-04-26. Review status: criteria provided, single submitter. Criteria: LMM Criteria. Collection method: clinical testing. Allele origin: germline. Inheritance: Autosomal dominant inheritance. Observed: 1 variant allele.
Comment: The Val840fs variant in MYBPC3 has not been reported in individuals with cardiom yopathy. Data from large population studies is insufficient to assess the freque ncy of this variant. This frameshift variant is predicted to alter the protein?s amino acid sequence beginning at position 840 and lead to a premature terminati on codon 32 amino acids downstream. This alteration is then predicted to lead to a truncated or absent protein. Frameshift and other truncating variants in MYBP C3 are established as pathogenic for HCM. In summary, this variant meets our cri teria to be classified as pathogenic based upon the predicted impact of the variant.

NC_000011.10:g.47337455_47337476del

Gene: MYBPC3 (myosin binding protein C3; minus strand). Cytogenetic location: 11p11.2.
Variant type: Deletion.
Genome position: GRCh38 VCF-style: chr11-47337454-AGACGCGCATCTCGTACACCACG-A. GRCh37 (hg19) VCF-style: chr11-47359005-AGACGCGCATCTCGTACACCACG-A.
Other names: c.2517_2538del, p.Val840fs (NM_000256.3); short protein forms V840fs.
Identifiers: ClinVar variation 164073 (VCV000164073.4), dbSNP rs727503187, ClinGen allele CA012435.